The following is an entry in ClinVar:

NM_000545.8(HNF1A):c.174dup (p.Glu59Ter)

Gene: HNF1A (HNF1 homeobox A; plus strand). Cytogenetic location: 12q24.31.
Variant type: Duplication.
Coding change: c.174dup on transcript NM_000545.8 (MANE Select); coding-DNA position 174, one base duplicated (T; older notation c.174dupT).
Protein change: p.Glu59Ter; replaces glutamic acid 59 with a stop codon.
Molecular consequence: nonsense.
Genome position (GRCh38, 1-based): chr12:120,978,942, T duplicated. VCF-style (leftmost placement, unchanged base first): chr12-120978941-C-CT. GRCh37 (hg19) VCF-style: chr12-121416744-C-CT.
Other names: c.174dup, p.Glu59Ter (NM_001306179.2, NM_001406915.1); short protein forms E59*.
Identifiers: ClinVar variation 2707891 (VCV002707891.3), dbSNP rs2499973600, ClinGen allele CA2697551548.
Genomic context (GRCh38, chr12:120,978,941, plus strand): 5'-TGGCTGGAGAAGGCCCCCTGGACAAGGGGGAGTCCTGCGGCGGCGGTCGAGGGGAGCTGG[C>CT]TGAGCTGCCCAATGGGCTGGGGGAGACTCGGGGCTCCGAGGACGAGACGGACGACGATGG-3'

ClinVar aggregate classification (germline): Pathogenic (1 of 4 stars; one submission).

Submission:

Labcorp Genetics (formerly Invitae), Labcorp
Classification: Pathogenic. Last evaluated: 2023-07-17. Review status: criteria provided, single submitter. Criteria: Invitae Variant Classification Sherloc (09022015). Collection method: clinical testing. Allele origin: germline.
Comment: For these reasons, this variant has been classified as Pathogenic. This premature translational stop signal has been observed in individual(s) with early onset diabetes (PMID: 23771925). This variant is not present in population databases (gnomAD no frequency). This sequence change creates a premature translational stop signal (p.Glu59*) in the HNF1A gene. It is expected to result in an absent or disrupted protein product. Loss-of-function variants in HNF1A are known to be pathogenic (PMID: 15928245, 18003757).

Literature cited by the submitters: PubMed 23771925; PubMed 15928245; PubMed 18003757.